The following is an entry in ClinVar:

NM_001378615.1(CC2D2A):c.2715A>C (p.Leu905Phe)

Genes: CC2D2A (coiled-coil and C2 domain containing 2A; plus strand), FBXL5 (F-box and leucine rich repeat protein 5; minus strand). Cytogenetic location: 4p15.32.
Variant type: single nucleotide variant.
Coding change: c.2715A>C on transcript NM_001378615.1 (MANE Select); coding-DNA position 2715, A replaced by C.
Protein change: p.Leu905Phe; replaces leucine 905 with phenylalanine.
Molecular consequence: missense variant.
Genome position (GRCh38, 1-based): chr4:15,557,393, A>C. VCF-style: chr4-15557393-A-C. GRCh37 (hg19) VCF-style: chr4-15559016-A-C.
Other names: c.2568A>C, p.Leu856Phe (NM_001378617.1); c.2715A>C, p.Leu905Phe (NM_001080522.2); short protein forms L905F, L856F.
Identifiers: ClinVar variation 1480954 (VCV001480954.6), dbSNP rs1394929452, ClinGen allele CA356412296.

ClinVar aggregate classification (germline): Uncertain significance. Review status: criteria provided, multiple submitters, no conflicts (2 of 4 stars). 2 submissions from 2 submitters: Uncertain significance (2). Last evaluated 2024-12-31.

Conditions:
Joubert syndrome. Also called: JOUBERT-BOLTSHAUSER SYNDROME; Familial aplasia of the vermis. Identifiers: Orphanet 475, MedGen C5979921, MONDO:0018772.
Meckel-Gruber syndrome. Also called: DYSENCEPHALIA SPLANCHNOCYSTICA; GRUBER SYNDROME; Dysencephalia splachnocystica. Identifiers: Orphanet 564, MedGen C0265215, MONDO:0018921.

Allele frequency attached by ClinVar (database versions not stated): gnomAD exomes below 0.00001; gnomAD 0.00001.
gnomAD v4.1: 2 of 1,613,546 alleles (0.00012%); highest among the groups gnomAD compares: Non-Finnish European, 0.00017%; no homozygotes.

Submissions (2):

GeneDx
Classification: Uncertain significance. Last evaluated: 2024-12-31. Review status: criteria provided, single submitter. Criteria: GeneDx Variant Classification Process June 2021. Collection method: clinical testing. Allele origin: germline. Affected: yes.
Comment: Not observed at significant frequency in large population cohorts (gnomAD); In silico analysis indicates that this missense variant does not alter protein structure/function; Has not been previously published as pathogenic or benign to our knowledge; In silico analysis suggests this variant may impact gene splicing. In the absence of RNA/functional studies, the actual effect of this sequence change is unknown.

Labcorp Genetics (formerly Invitae), Labcorp
Classification: Uncertain significance for Joubert syndrome; Meckel-Gruber syndrome. Last evaluated: 2022-03-23. Review status: criteria provided, single submitter. Criteria: Invitae Variant Classification Sherloc (09022015). Collection method: clinical testing. Allele origin: germline.
Comment: This sequence change replaces leucine, which is neutral and non-polar, with phenylalanine, which is neutral and non-polar, at codon 905 of the CC2D2A protein (p.Leu905Phe). This variant is present in population databases (no rsID available, gnomAD 0.007%). This variant has not been reported in the literature in individuals affected with CC2D2A-related conditions. Algorithms developed to predict the effect of missense changes on protein structure and function (SIFT, PolyPhen-2, Align-GVGD) all suggest that this variant is likely to be tolerated. Algorithms developed to predict the effect of sequence changes on RNA splicing suggest that this variant may create or strengthen a splice site. In summary, the available evidence is currently insufficient to determine the role of this variant in disease. Therefore, it has been classified as a Variant of Uncertain Significance.